The following is an entry in ClinVar:

NM_001365999.1(SZT2):c.6697T>C (p.Trp2233Arg)

Gene: SZT2 (SZT2 subunit of KICSTOR complex; plus strand). Cytogenetic location: 1p34.2.
Variant type: single nucleotide variant.
Coding change: c.6697T>C on transcript NM_001365999.1 (MANE Select); coding-DNA position 6697, T replaced by C.
Protein change: p.Trp2233Arg; replaces tryptophan 2233 with arginine.
Molecular consequence: missense variant.
Genome position (GRCh38, 1-based): chr1:43,438,998, T>C. VCF-style: chr1-43438998-T-C. GRCh37 (hg19) VCF-style: chr1-43904669-T-C.
Other names: c.6526T>C, p.Trp2176Arg (NM_015284.4); short protein forms W2176R, W2233R.
Identifiers: ClinVar variation 4281731 (VCV004281731.2).

ClinVar aggregate classification (germline): Uncertain significance (1 of 4 stars; one submission).

gnomAD v4.1: 26 of 1,614,082 alleles (0.0016%); highest among the groups gnomAD compares: South Asian, 0.027%; no homozygotes.

Submission:

GeneDx
Classification: Uncertain significance. Last evaluated: 2026-08-20. Review status: criteria provided, single submitter. Criteria: GeneDx Variant Classification Process June 2021. Collection method: clinical testing. Allele origin: germline.
Comment: In silico analysis supports that this missense variant has a deleterious effect on protein structure/function; Has not been previously published as pathogenic or benign to our knowledge